The following is an entry in ClinVar:

NM_001206927.2(DNAH8):c.13555G>A (p.Asp4519Asn)

Gene: DNAH8 (dynein axonemal heavy chain 8; plus strand). Cytogenetic location: 6p21.2.
Variant type: single nucleotide variant.
Coding change: c.13555G>A on transcript NM_001206927.2 (MANE Select); coding-DNA position 13555, G replaced by A.
Protein change: p.Asp4519Asn; replaces aspartic acid 4519 with asparagine.
Molecular consequence: missense variant.
Genome position (GRCh38, 1-based): chr6:39,012,478, G>A. VCF-style: chr6-39012478-G-A. GRCh37 (hg19) VCF-style: chr6-38980254-G-A.
Other names: c.12904G>A, p.Asp4302Asn (NM_001371.4); short protein forms D4302N, D4519N.
Identifiers: ClinVar variation 4242804 (VCV004242804.2).

ClinVar aggregate classification (germline): Uncertain significance. Review status: criteria provided, multiple submitters, no conflicts (2 of 4 stars). 2 submissions from 2 submitters: Uncertain significance (2). Last evaluated 2025-08-23.

Conditions:
Primary ciliary dyskinesia. Also called: Ciliary dyskinesia. Identifiers: Orphanet 244, MedGen C0008780, MONDO:0016575, HP:0012265.

gnomAD v4.1: 143 of 1,614,094 alleles (0.0089%); highest among the groups gnomAD compares: East Asian, 0.28%; 1 homozygote.

Submissions (2):

Ambry Genetics
Classification: Uncertain significance. Last evaluated: 2025-08-23. Review status: criteria provided, single submitter. Criteria: Ambry Variant Classification Scheme 2023. Collection method: clinical testing. Allele origin: germline.

Labcorp Genetics (formerly Invitae), Labcorp
Classification: Uncertain significance for Primary ciliary dyskinesia. Last evaluated: 2025-03-10. Review status: criteria provided, single submitter. Criteria: Invitae Variant Classification Sherloc (09022015). Collection method: clinical testing. Allele origin: germline.
Comment: This sequence change replaces aspartic acid, which is acidic and polar, with asparagine, which is neutral and polar, at codon 4519 of the DNAH8 protein (p.Asp4519Asn). This variant is present in population databases (rs200536426, gnomAD 0.1%). This variant has not been reported in the literature in individuals affected with DNAH8-related conditions. Invitae Evidence Modeling of protein sequence and biophysical properties (such as structural, functional, and spatial information, amino acid conservation, physicochemical variation, residue mobility, and thermodynamic stability) indicates that this missense variant is not expected to disrupt DNAH8 protein function with a negative predictive value of 80%. In summary, the available evidence is currently insufficient to determine the role of this variant in disease. Therefore, it has been classified as a Variant of Uncertain Significance.